The following is an entry in ClinVar:

NM_016239.4(MYO15A):c.5005del (p.Gln1669fs)

Gene: MYO15A (myosin XVA; plus strand). Cytogenetic location: 17p11.2.
Variant type: Deletion.
Coding change: c.5005del on transcript NM_016239.4 (MANE Select); coding-DNA position 5005, one base deleted (C; older notation c.5005delC).
Protein change: p.Gln1669fs; shifts the reading frame from glutamine 1669.
Molecular consequence: frameshift variant.
Genome position (GRCh38, 1-based): chr17:18,138,244, C deleted; the last of 4 consecutive C bases (chr17:18,138,241-18,138,244); deleting any one gives the same sequence. VCF-style (leftmost placement, unchanged base first): chr17-18138240-TC-T. GRCh37 (hg19) VCF-style: chr17-18041554-TC-T.
Other names: short protein forms Q1669fs.
Identifiers: ClinVar variation 5005712 (VCV005005712.2).

ClinVar aggregate classification (germline): Likely pathogenic (1 of 4 stars; one submission).

Conditions:
Autosomal recessive nonsyndromic hearing loss 3. Also called: NEUROSENSORY NONSYNDROMIC RECESSIVE DEAFNESS 3. Identifiers: Orphanet 90636, MedGen C1838263, MONDO:0010860, OMIM 600316.

Submission:

Juno Genomics, Hangzhou Juno Genomics, Inc
Classification: Likely pathogenic for Autosomal recessive nonsyndromic hearing loss 3. Review status: criteria provided, single submitter. Criteria: ACMG Guidelines, 2015. Collection method: clinical testing. Allele origin: germline.
Comment: Null variant in a gene where loss of function (LOF) is a known mechanism of disease.;Absent from controls (or at extremely low frequency if recessive) in Genome Aggregation Database.